The following is an entry in ClinVar:

ClinVar aggregate classification (germline): Uncertain significance (1 of 4 stars; one submission).

Conditions:
Familial hypocalciuric hypercalcemia (FHH). Also called: Familial benign hypercalcemia. Identifiers: Orphanet 405, MedGen C1809471, MONDO:0018458.
Autosomal dominant hypocalcemia 1 (HYPOC1). Also called: HYPOCALCEMIA, FAMILIAL. Identifiers: MedGen C3715128, MONDO:0011013, OMIM 601198.

Submission:

Labcorp Genetics (formerly Invitae), Labcorp
Classification: Uncertain significance for Familial hypocalciuric hypercalcemia; Autosomal dominant hypocalcemia 1. Last evaluated: 2021-08-22. Review status: criteria provided, single submitter. Criteria: Invitae Variant Classification Sherloc (09022015). Collection method: clinical testing. Allele origin: germline.
Comment: This sequence change replaces glutamic acid with lysine at codon 567 of the CASR protein (p.Glu567Lys). The glutamic acid residue is highly conserved and there is a small physicochemical difference between glutamic acid and lysine. This variant is not present in population databases (ExAC no frequency). This variant has not been reported in the literature in individuals affected with CASR-related conditions. Algorithms developed to predict the effect of missense changes on protein structure and function output the following: SIFT: "Tolerated"; PolyPhen-2: "Benign"; Align-GVGD: "Class C0". The lysine amino acid residue is found in multiple mammalian species, which suggests that this missense change does not adversely affect protein function. In summary, the available evidence is currently insufficient to determine the role of this variant in disease. Therefore, it has been classified as a Variant of Uncertain Significance.

NM_000388.4(CASR):c.1699G>A (p.Glu567Lys)

Gene: CASR (calcium sensing receptor; plus strand). Cytogenetic location: 3q21.1.
Variant type: single nucleotide variant.
Coding change: c.1699G>A on transcript NM_000388.4 (MANE Select); coding-DNA position 1699, G replaced by A.
Protein change: p.Glu567Lys; replaces glutamic acid 567 with lysine.
Molecular consequence: missense variant.
Genome position (GRCh38, 1-based): chr3:122,282,203, G>A. VCF-style: chr3-122282203-G-A. GRCh37 (hg19) VCF-style: chr3-122001050-G-A.
Other names: c.1729G>A, p.Glu577Lys (NM_001178065.2); short protein forms E567K, E577K.
Identifiers: ClinVar variation 1488872 (VCV001488872.6), dbSNP rs868390788, ClinGen allele CA82748010.